The following is an entry in ClinVar:

NM_004456.5(EZH2):c.1506-16_1506-13del

Gene: EZH2 (enhancer of zeste 2 polycomb repressive complex 2 subunit; minus strand). Cytogenetic location: 7q36.1.
Variant type: Deletion.
Coding change: c.1506-16_1506-13del on transcript NM_004456.5 (MANE Select); 16 bases into the intron before coding-DNA position 1506 through 13 bases into the intron before coding-DNA position 1506, 4 bases deleted (CTTT; older notation c.1506-16_1506-13delCTTT).
Molecular consequence: intron variant.
Genome position (GRCh38, 1-based): chr7:148,815,559-148,815,562, AAAG deleted on the plus strand (CTTT on the coding strand, the reverse complement: EZH2 is on the minus strand); deleting any 4 consecutive bases within chr7:148,815,559-148,815,565 gives the same sequence; the c. name uses the placement nearest the transcript's 3' end. VCF-style (leftmost placement, unchanged base first): chr7-148815558-CAAAG-C. GRCh37 (hg19) VCF-style: chr7-148512650-CAAAG-C.
Other names: c.1464-16_1464-13del (NM_001203248.2, NM_001203249.2); c.1374-16_1374-13del (NM_152998.3); c.1491-16_1491-13del (NM_001203247.2).
Identifiers: ClinVar variation 2156356 (VCV002156356.5), dbSNP rs569536054, ClinGen allele CA4547851.
Genomic context (GRCh38, chr7:148,815,558, plus strand): 5'-ATGCTAACCCTTTTTCAGCTGTATCTTTCTGCAGTGTGCAGCCCACAACCTGCAAAAACA[CAAAG>C]AAAATTAAACCAAATTTCTGCGGGAAGCTACAAATCCAACAGAGAGCTGCTTAACTGGAT-3'

ClinVar aggregate classification (germline): Conflicting classifications of pathogenicity. Review status: criteria provided, conflicting classifications (1 of 4 stars). 2 submissions from 2 submitters: Uncertain significance (1); Likely benign (1). Last evaluated 2024-10-18.

Conditions:
Weaver syndrome (WVS). Also called: Weaver Smith syndrome; Overgrowth syndrome with accelerated skeletal maturation, unusual facies, and camptodactyly. Identifiers: Orphanet 3447, MedGen C0265210, MONDO:0010193, OMIM 277590.

Submissions (2):

Labcorp Genetics (formerly Invitae), Labcorp
Classification: Uncertain significance for Weaver syndrome. Last evaluated: 2024-10-18. Review status: criteria provided, single submitter. Criteria: Invitae Variant Classification Sherloc (09022015). Collection method: clinical testing. Allele origin: germline.
Comment: This sequence change falls in intron 12 of the EZH2 gene. It does not directly change the encoded amino acid sequence of the EZH2 protein. This variant is present in population databases (rs569536054, gnomAD 0.007%). This variant has not been reported in the literature in individuals affected with EZH2-related conditions. ClinVar contains an entry for this variant (Variation ID: 2156356). Algorithms developed to predict the effect of sequence changes on RNA splicing suggest that this variant may disrupt the consensus splice site. In summary, the available evidence is currently insufficient to determine the role of this variant in disease. Therefore, it has been classified as a Variant of Uncertain Significance.

Blueprint Genetics
Classification: Likely benign. Last evaluated: 2021-10-27. Review status: criteria provided, single submitter. Criteria: ACMG Guidelines, 2015. Collection method: clinical testing. Allele origin: germline.